The following is an entry in ClinVar:

ClinVar aggregate classification (germline): Uncertain significance (1 of 4 stars; one submission).

Conditions:
Inborn genetic diseases. Identifiers: MedGen C0950123, MeSH D030342.

Submission:

Ambry Genetics
Classification: Uncertain significance for Inborn genetic diseases. Last evaluated: 2025-04-11. Review status: criteria provided, single submitter. Criteria: Ambry Variant Classification Scheme 2023. Collection method: clinical testing. Allele origin: germline.
Comment: The p.E163D variant (also known as c.489A>C), located in coding exon 2 of the KDM1A gene, results from an A to C substitution at nucleotide position 489. The glutamic acid at codon 163 is replaced by aspartic acid, an amino acid with highly similar properties. This amino acid position is conserved. In addition, this alteration is predicted to be tolerated by in silico analysis. Based on the available evidence, the clinical significance of this variant remains unclear.

NM_001009999.3(KDM1A):c.489A>C (p.Glu163Asp)

Gene: KDM1A (lysine demethylase 1A; plus strand). Cytogenetic location: 1p36.12.
Variant type: single nucleotide variant.
Coding change: c.489A>C on transcript NM_001009999.3 (MANE Select); coding-DNA position 489, A replaced by C.
Protein change: p.Glu163Asp; replaces glutamic acid 163 with aspartic acid.
Molecular consequence: missense variant.
Genome position (GRCh38, 1-based): chr1:23,030,606, A>C. VCF-style: chr1-23030606-A-C. GRCh37 (hg19) VCF-style: chr1-23357099-A-C.
Other names: c.489A>C, p.Glu163Asp (NM_001363654.2, NM_001410762.1, NM_001410763.1 and 1 more transcripts); short protein forms E163D.
Identifiers: ClinVar variation 4042100 (VCV004042100.1).